The following is an entry in ClinVar:

ClinVar aggregate classification (germline): Uncertain significance (1 of 4 stars; one submission).

Conditions:
Familial cold autoinflammatory syndrome 3 (FCAS3). Also called: FAMILIAL ATYPICAL COLD URTICARIA; ANTIBODY DEFICIENCY AND IMMUNE DYSREGULATION, PLCG2-ASSOCIATED. Identifiers: Orphanet 300359, MedGen C3280914, MONDO:0013766, OMIM 614468.

Allele frequency attached by ClinVar (database versions not stated): gnomAD 0.00001; 1000 Genomes Project 30x 0.00047; 1000 Genomes Project 0.00060.
gnomAD v4.1: 6 of 1,614,174 alleles (0.00037%); highest among the groups gnomAD compares: East Asian, 0.011%; no homozygotes.

Submission:

Labcorp Genetics (formerly Invitae), Labcorp
Classification: Uncertain significance for Familial cold autoinflammatory syndrome 3. Last evaluated: 2024-02-20. Review status: criteria provided, single submitter. Criteria: Invitae Variant Classification Sherloc (09022015). Collection method: clinical testing. Allele origin: germline.
Comment: This sequence change replaces aspartic acid, which is acidic and polar, with glutamic acid, which is acidic and polar, at codon 245 of the PLCG2 protein (p.Asp245Glu). This variant is present in population databases (rs561861182, gnomAD 0.01%). This variant has not been reported in the literature in individuals affected with PLCG2-related conditions. An algorithm developed to predict the effect of missense changes on protein structure and function (PolyPhen-2) suggests that this variant is likely to be disruptive. In summary, the available evidence is currently insufficient to determine the role of this variant in disease. Therefore, it has been classified as a Variant of Uncertain Significance.

NM_002661.5(PLCG2):c.735C>G (p.Asp245Glu)

Gene: PLCG2 (phospholipase C gamma 2; plus strand). Cytogenetic location: 16q23.3.
Variant type: single nucleotide variant.
Coding change: c.735C>G on transcript NM_002661.5 (MANE Select); coding-DNA position 735, C replaced by G.
Protein change: p.Asp245Glu; replaces aspartic acid 245 with glutamic acid.
Molecular consequence: missense variant.
Genome position (GRCh38, 1-based): chr16:81,883,311, C>G. VCF-style: chr16-81883311-C-G. GRCh37 (hg19) VCF-style: chr16-81916916-C-G.
Other names: c.735C>G, p.Asp245Glu (NM_001425749.1, NM_001425750.1, NM_001425751.1); short protein forms D245E.
Identifiers: ClinVar variation 2883163 (VCV002883163.3), dbSNP rs561861182, ClinGen allele CA285204784.